The following is an entry in ClinVar:

NM_001080449.3(DNA2):c.683A>G (p.Asn228Ser)

Gene: DNA2 (DNA replication helicase/nuclease 2; minus strand). Cytogenetic location: 10q21.3.
Variant type: single nucleotide variant.
Coding change: c.683A>G on transcript NM_001080449.3 (MANE Select); coding-DNA position 683, A replaced by G.
Protein change: p.Asn228Ser; replaces asparagine 228 with serine.
Molecular consequence: missense variant. On other transcripts: non-coding transcript variant (1).
Genome position (GRCh38, 1-based): chr10:68,459,140, T>C on the plus strand (A>G on the coding strand, the complement: DNA2 is on the minus strand). VCF-style: chr10-68459140-T-C. GRCh37 (hg19) VCF-style: chr10-70218897-T-C.
Other names: short protein forms N228S.
Identifiers: ClinVar variation 3664099 (VCV003664099.2).

ClinVar aggregate classification (germline): Uncertain significance (1 of 4 stars; one submission).

gnomAD v4.1: 4 of 1,599,492 alleles (0.00025%); highest among the groups gnomAD compares: Non-Finnish European, 0.00034%; no homozygotes.

Submission:

Labcorp Genetics (formerly Invitae), Labcorp
Classification: Uncertain significance. Last evaluated: 2024-10-12. Review status: criteria provided, single submitter. Criteria: Invitae Variant Classification Sherloc (09022015). Collection method: clinical testing. Allele origin: germline.
Comment: This sequence change replaces asparagine, which is neutral and polar, with serine, which is neutral and polar, at codon 228 of the DNA2 protein (p.Asn228Ser). This variant is not present in population databases (gnomAD no frequency). This variant has not been reported in the literature in individuals affected with DNA2-related conditions. Invitae Evidence Modeling of protein sequence and biophysical properties (such as structural, functional, and spatial information, amino acid conservation, physicochemical variation, residue mobility, and thermodynamic stability) indicates that this missense variant is not expected to disrupt DNA2 protein function with a negative predictive value of 80%. In summary, the available evidence is currently insufficient to determine the role of this variant in disease. Therefore, it has been classified as a Variant of Uncertain Significance.